The following is an entry in ClinVar:

ClinVar aggregate classification (germline): Uncertain significance (1 of 4 stars; one submission).

Conditions:
Lipoic acid synthetase deficiency. Also called: HYPERGLYCINEMIA, LACTIC ACIDOSIS, AND SEIZURES. Identifiers: Orphanet 401859, MedGen C3280887, MONDO:0013762, OMIM 614462.

Allele frequency attached by ClinVar (database versions not stated): gnomAD exomes 0.00001; gnomAD 0.00002; TOPMed 0.00002.
gnomAD v4.1: 12 of 1,613,950 alleles (0.00074%); highest among the groups gnomAD compares: Non-Finnish European, 0.001%; no homozygotes.

Submission:

Labcorp Genetics (formerly Invitae), Labcorp
Classification: Uncertain significance for Lipoic acid synthetase deficiency. Last evaluated: 2020-10-03. Review status: criteria provided, single submitter. Criteria: Invitae Variant Classification Sherloc (09022015). Collection method: clinical testing. Allele origin: germline.
Comment: In summary, the available evidence is currently insufficient to determine the role of this variant in disease. Therefore, it has been classified as a Variant of Uncertain Significance. Algorithms developed to predict the effect of missense changes on protein structure and function output the following: SIFT: "Tolerated"; PolyPhen-2: "Benign"; Align-GVGD: "Class C0". The arginine amino acid residue is found in multiple mammalian species, suggesting that this missense change does not adversely affect protein function. These predictions have not been confirmed by published functional studies and their clinical significance is uncertain. This variant has not been reported in the literature in individuals with LIAS-related conditions. This variant is not present in population databases (ExAC no frequency). This sequence change replaces lysine with arginine at codon 263 of the LIAS protein (p.Lys263Arg). The lysine residue is moderately conserved and there is a small physicochemical difference between lysine and arginine.

NM_006859.4(LIAS):c.788A>G (p.Lys263Arg)

Gene: LIAS (lipoic acid synthetase; plus strand). Cytogenetic location: 4p14.
Variant type: single nucleotide variant.
Coding change: c.788A>G on transcript NM_006859.4 (MANE Select); coding-DNA position 788, A replaced by G.
Protein change: p.Lys263Arg; replaces lysine 263 with arginine.
Molecular consequence: missense variant.
Genome position (GRCh38, 1-based): chr4:39,470,069, A>G. VCF-style: chr4-39470069-A-G. GRCh37 (hg19) VCF-style: chr4-39471689-A-G.
Other names: c.659A>G, p.Lys220Arg (NM_001278590.2); c.479A>G, p.Lys160Arg (NM_001363700.2); c.788A>G, p.Lys263Arg (NM_194451.3); short protein forms K220R, K160R, K263R.
Identifiers: ClinVar variation 1039917 (VCV001039917.6), dbSNP rs1375530921, ClinGen allele CA356665224.